The following is an entry in ClinVar:

NM_002230.4(JUP):c.1835C>G (p.Ala612Gly)

Gene: JUP (junction plakoglobin; minus strand). Cytogenetic location: 17q21.2.
Variant type: single nucleotide variant.
Coding change: c.1835C>G on transcript NM_002230.4 (MANE Select); coding-DNA position 1835, C replaced by G.
Protein change: p.Ala612Gly; replaces alanine 612 with glycine.
Molecular consequence: missense variant.
Genome position (GRCh38, 1-based): chr17:41,757,723, G>C on the plus strand (C>G on the coding strand, the complement: JUP is on the minus strand). VCF-style: chr17-41757723-G-C. GRCh37 (hg19) VCF-style: chr17-39913975-G-C.
Other names: c.1835C>G, p.Ala612Gly (NM_001352773.2, NM_001352774.2, NM_001352775.2 and 3 more transcripts); short protein forms A612G.
Identifiers: ClinVar variation 1781031 (VCV001781031.7), dbSNP rs965652634, ClinGen allele CA399492450.

ClinVar aggregate classification (germline): Uncertain significance. Review status: criteria provided, multiple submitters, no conflicts (2 of 4 stars). 2 submissions from 2 submitters: Uncertain significance (2). Last evaluated 2025-04-22.

Conditions:
Naxos disease (NXD). Also called: KERATOSIS PALMOPLANTARIS WITH ARRHYTHMOGENIC CARDIOMYOPATHY; MAL DE NAXOS; PALMOPLANTAR KERATODERMA WITH ARRHYTHMOGENIC RIGHT VENTRICULAR CARDIOMYOPATHY AND WOOLLY HAIR; WOOLLY HAIR, PALMOPLANTAR KERATODERMA, AND CARDIAC ABNORMALITIES; CARDIOMYOPATHY, ARRHYTHMOGENIC RIGHT VENTRICULAR, WITH SKIN, HAIR, AND NAIL ABNORMALITIES. Identifiers: Orphanet 34217, MedGen C1832600, MONDO:0011017, OMIM 601214.
Arrhythmogenic right ventricular dysplasia 12. Also called: ARRHYTHMOGENIC RIGHT VENTRICULAR DYSPLASIA, FAMILIAL, 12. Identifiers: MedGen C1969081, MONDO:0012684, OMIM 611528.
Cardiovascular phenotype. Identifiers: MedGen CN230736.

Allele frequency attached by ClinVar (database versions not stated): gnomAD 0.00001; TOPMed 0.00001.

Submissions (2):

Labcorp Genetics (formerly Invitae), Labcorp
Classification: Uncertain significance for Arrhythmogenic right ventricular dysplasia 12; Naxos disease. Last evaluated: 2025-04-22. Review status: criteria provided, single submitter. Criteria: Invitae Variant Classification Sherloc (09022015). Collection method: clinical testing. Allele origin: germline.
Comment: This sequence change replaces alanine, which is neutral and non-polar, with glycine, which is neutral and non-polar, at codon 612 of the JUP protein (p.Ala612Gly). This variant is present in population databases (no rsID available, gnomAD 0.0009%). This variant has not been reported in the literature in individuals affected with JUP-related conditions. ClinVar contains an entry for this variant (Variation ID: 1781031). An algorithm developed to predict the effect of missense changes on protein structure and function (PolyPhen-2) suggests that this variant is likely to be disruptive. In summary, the available evidence is currently insufficient to determine the role of this variant in disease. Therefore, it has been classified as a Variant of Uncertain Significance.

Ambry Genetics
Classification: Uncertain significance for Cardiovascular phenotype. Last evaluated: 2023-11-28. Review status: criteria provided, single submitter. Criteria: Ambry Variant Classification Scheme 2023. Collection method: clinical testing. Allele origin: germline.
Comment: The p.A612G variant (also known as c.1835C>G), located in coding exon 10 of the JUP gene, results from a C to G substitution at nucleotide position 1835. The alanine at codon 612 is replaced by glycine, an amino acid with similar properties. This amino acid position is highly conserved in available vertebrate species. In addition, the in silico prediction for this alteration is inconclusive. Since supporting evidence is limited at this time, the clinical significance of this alteration remains unclear.